The following is an entry in ClinVar:

NM_000371.4(TTR):c.401A>G (p.Tyr134Cys)

Gene: TTR (transthyretin; plus strand). Cytogenetic location: 18q12.1.
Variant type: single nucleotide variant.
Coding change: c.401A>G on transcript NM_000371.4 (MANE Select); coding-DNA position 401, A replaced by G.
Protein change: p.Tyr134Cys; replaces tyrosine 134 with cysteine.
Molecular consequence: missense variant.
Genome position (GRCh38, 1-based): chr18:31,598,632, A>G. VCF-style: chr18-31598632-A-G. GRCh37 (hg19) VCF-style: chr18-29178595-A-G.
Other names: Y114C; short protein forms Y134C.
Identifiers: ClinVar variation 13419 (VCV000013419.15), dbSNP rs121918075, ClinGen allele CA256794.
Genomic context (GRCh38, chr18:31,598,632, plus strand): 5'-TATTCACAGCCAACGACTCCGGCCCCCGCCGCTACACCATTGCCGCCCTGCTGAGCCCCT[A>G]CTCCTATTCCACCACGGCTGTCGTCACCAATCCCAAGGAATGAGGGACTTCTCCTCCAGT-3'
Protein context (NP_000362.1, residues 124-144): RYTIAALLSP[Tyr134Cys]SYSTTAVVTN

ClinVar aggregate classification (germline): Pathogenic. Review status: criteria provided, multiple submitters, no conflicts (2 of 4 stars). 4 submissions from 4 submitters: Pathogenic (3). 1 of the submissions does not count toward it. Last evaluated 2026-04-24.

Conditions:
Cardiovascular phenotype. Identifiers: MedGen CN230736.
Amyloidosis, hereditary systemic 1 (AMYLD1). Also called: Isolated Cardiac Amyloidosis; Amyloid Cardiomyopathy, Transthyretin-related; Transthyretin Amyloidosis; Hereditary Transthyretin Amyloidosis; Hereditary oculoleptomeningeal amyloid angiopathy; Familial Transthyretin Amyloidosis. Identifiers: Orphanet 85447, Orphanet 85451, MedGen C2751492, MONDO:0971004, OMIM 105210.

Submissions (4):

Ambry Genetics
Classification: Pathogenic for Cardiovascular phenotype. Last evaluated: 2026-04-24. Review status: criteria provided, single submitter. Criteria: Ambry Variant Classification Scheme 2023. Collection method: clinical testing. Allele origin: germline.
Comment: The p.Y134C pathogenic mutation (also known as c.401A>G), located in coding exon 4 of the TTR gene, results from an A to G substitution at nucleotide position 401. The tyrosine at codon 134 is replaced by cysteine, an amino acid with highly dissimilar properties. This variant was identified in one or more individuals with features consistent with hereditary transthyretin-related amyloidosis and segregated with disease in at least one family (Ueno S et al. Brain, 1992 Oct;115 ( Pt 5):1275-89; Nakamura M et al. Neurology, 2005 Oct;65:1051-6; Zhang Y et al. Neurodegener Dis, 2011 Dec;8:187-93; Ihse E et al. Amyloid, 2013 Sep;20:142-50; Misumi Y et al. Liver Transpl, 2016 May;22:656-64; Koike H et al. Amyloid, 2019;26:13-14; Yamashita T et al. Amyloid, 2019;26:11-12; Du K et al. Ann Clin Transl Neurol, 2021 Apr;8:831-841). Note, this variant is also referred to as p.Y114C in the literature. Other variant(s) at the same codon, p.Y134H (c.400T>C), have been identified in individual(s) with features consistent with hereditary transthyretin-related amyloidosis (Nakase T et al. Intern Med, 2019 Sep;58:2695-2698; Matsushima M et al. Intern Med, 2023 Jun;62:1599-1602). In vitro functional studies indicate this alteration reduces TTR stability, alters oligomerization and contributes to cytotoxicity (Sekijima Y et al. Cell, 2005 Apr;121:73-85; Zhang Y et al. Neurodegener Dis, 2011 Dec;8:187-93; Li H et al. Drug Des Devel Ther, 2014 Oct;8:2121-8). Based on internal structural analysis, this variant is anticipated to result in a decrease in structural stability (Wojtczak A et al. Acta Crystallogr D Biol Crystallogr, 1996 Jul;52:758-65). This variant is considered to be rare based on population cohorts in the Genome Aggregation Database (gnomAD). This amino acid position is not well conserved in available vertebrate species. In addition, this alteration is predicted to be deleterious by in silico analysis. Based on the supporting evidence, this variant is interpreted as a disease-causing mutation.

Labcorp Genetics (formerly Invitae), Labcorp
Classification: Pathogenic for Amyloidosis, hereditary systemic 1. Last evaluated: 2024-05-13. Review status: criteria provided, single submitter. Criteria: Invitae Variant Classification Sherloc (09022015). Collection method: clinical testing. Allele origin: germline.
Comment: This sequence change replaces tyrosine, which is neutral and polar, with cysteine, which is neutral and slightly polar, at codon 134 of the TTR protein (p.Tyr134Cys). This variant is not present in population databases (gnomAD no frequency). This missense change has been observed in individuals with amyloidosis (PMID: 2161654, 21135536, 23713495). It has also been observed to segregate with disease in related individuals. This variant is also known as Tyr114Cys or Y114C. ClinVar contains an entry for this variant (Variation ID: 13419). Advanced modeling of protein sequence and biophysical properties (such as structural, functional, and spatial information, amino acid conservation, physicochemical variation, residue mobility, and thermodynamic stability) performed at Invitae indicates that this missense variant is expected to disrupt TTR protein function with a positive predictive value of 95%. Experimental studies have shown that this missense change affects TTR function (PMID: 15820680, 21135536). For these reasons, this variant has been classified as Pathogenic.

GeneDx
Classification: Pathogenic. Last evaluated: 2020-07-26. Review status: criteria provided, single submitter. Criteria: GeneDx Variant Classification Process June 2021. Collection method: clinical testing. Allele origin: germline. Affected: yes.
Comment: Published functional studies demonstrate that this variant has a damaging effect on the TTR protein (Zhang et al., 2011; Li et al., 2014); Not observed in large population cohorts (Lek et al., 2016); In silico analysis supports that this missense variant has a deleterious effect on protein structure/function; The Y134C is also reported as Y114C in the published literature; This variant is associated with the following publications: (PMID: 26656838, 16217058, 21135536, 25382970, 31782077, 32353608, 31718691, 1330202, 27859927, 28943540, 2161654, 17503405, 15820680, 22620962, 23713495)

OMIM
Classification: Pathogenic for AMYLOIDOSIS, HEREDITARY SYSTEMIC 1. Last evaluated: 1992-10-01. Review status: no assertion criteria provided. Collection method: literature only. Allele origin: germline. Not counted in ClinVar's aggregate classification.

Literature cited by the submitters: PubMed 1330202 (cited by Ambry Genetics and OMIM); PubMed 15299640 (cited by Ambry Genetics); PubMed 15820680 (cited by Ambry Genetics and Labcorp Genetics (formerly Invitae), Labcorp); PubMed 16217058 (cited by Ambry Genetics); PubMed 21135536 (cited by Ambry Genetics and Labcorp Genetics (formerly Invitae), Labcorp); PubMed 2161654 (cited by 3 submitters); PubMed 23713495 (cited by Ambry Genetics and Labcorp Genetics (formerly Invitae), Labcorp); PubMed 25382970 (cited by Ambry Genetics); PubMed 26600212 (cited by Ambry Genetics); PubMed 31178489 (cited by Ambry Genetics); PubMed 31343285 (cited by Ambry Genetics); PubMed 31343330 (cited by Ambry Genetics); PubMed 33739616 (cited by Ambry Genetics); PubMed 36261369 (cited by Ambry Genetics); Haagsma, E. B., Post, J. G., De Jager, A. E. J., Nikkels, P. G. J., Hamel, B. C. J., Hazenberg, B. P. C. A Dutch kindred with familial amyloidotic polyneuropathy associated with the transthyretin cys114 mutant. Amyloid 4: 112-117, 1997. (cited by OMIM).